The following is an entry in ClinVar:

NM_017946.4(FKBP14):c.*2G>C

Genes: FKBP14 (FKBP prolyl isomerase 14; minus strand), FKBP14-AS1 (FKBP14 antisense RNA 1; plus strand). Cytogenetic location: 7p14.3.
Variant type: single nucleotide variant.
Coding change: c.*2G>C on transcript NM_017946.4 (MANE Select); 2 bases downstream of the stop codon, G replaced by C.
Molecular consequence: 3 prime UTR variant. On other transcripts: non-coding transcript variant (2).
Genome position (GRCh38, 1-based): chr7:30,014,733, C>G on the plus strand (G>C on the coding strand, the complement: FKBP14 is on the minus strand). VCF-style: chr7-30014733-C-G. GRCh37 (hg19) VCF-style: chr7-30054349-C-G.
Identifiers: ClinVar variation 1210573 (VCV001210573.4), dbSNP rs751113052, ClinGen allele CA4203361.

ClinVar aggregate classification (germline): Likely benign (1 of 4 stars; one submission).

Allele frequency attached by ClinVar (database versions not stated): gnomAD 0.00002; gnomAD exomes 0.00003; TOPMed 0.00003; ExAC 0.00001.
gnomAD v4.1: 113 of 1,581,736 alleles (0.0071%); highest among the groups gnomAD compares: Non-Finnish European, 0.0094%; no homozygotes.

Submission:

GeneDx
Classification: Likely benign. Last evaluated: 2024-03-29. Review status: criteria provided, single submitter. Criteria: GeneDx Variant Classification Process June 2021. Collection method: clinical testing. Allele origin: germline. Affected: yes.
Comment: See Variant Classification Assertion Criteria.